The following is an entry in ClinVar:

ClinVar aggregate classification (germline): Uncertain significance (1 of 4 stars; one submission).

Conditions:
Familial isolated arrhythmogenic right ventricular dysplasia. Identifiers: Orphanet 217656, MedGen C4274968, MONDO:0016342.

Allele frequency attached by ClinVar (database versions not stated): ExAC 0.00001.

Submission:

All of Us Research Program, National Institutes of Health
Classification: Uncertain significance for Familial isolated arrhythmogenic right ventricular dysplasia. Last evaluated: 2023-02-15. Review status: criteria provided, single submitter. Criteria: ACMG Guidelines, 2015. Collection method: clinical testing. Allele origin: germline. Inheritance: Autosomal dominant inheritance. Observed: 1 variant allele, 1 heterozygote.
Comment: This missense variant replaces glycine with valine at codon 686 of the DSC2 protein. Computational prediction suggests that this variant may not impact protein structure and function (internally defined REVEL score threshold <= 0.5, PMID: 27666373). To our knowledge, functional studies have not been reported for this variant. This variant has not been reported in individuals affected with cardiovascular disorders in the literature. This variant has been identified in 1/251034 chromosomes in the general population by the Genome Aggregation Database (gnomAD). The available evidence is insufficient to determine the role of this variant in disease conclusively. Therefore, this variant is classified as a Variant of Uncertain Significance.

This study involves interpretation of variants in research participants for the purpose of population health screening. Participant phenotype was not available at the time of variant classification. Additional details can be found in publication PMID: 35346344, PMCID: PMC8962531

NM_024422.6(DSC2):c.2057G>T (p.Gly686Val)

Gene: DSC2 (desmocollin 2; minus strand). Cytogenetic location: 18q12.1.
Variant type: single nucleotide variant.
Coding change: c.2057G>T on transcript NM_024422.6 (MANE Select); coding-DNA position 2057, G replaced by T.
Protein change: p.Gly686Val; replaces glycine 686 with valine.
Molecular consequence: missense variant.
Genome position (GRCh38, 1-based): chr18:31,071,673, C>A on the plus strand (G>T on the coding strand, the complement: DSC2 is on the minus strand). VCF-style: chr18-31071673-C-A. GRCh37 (hg19) VCF-style: chr18-28651639-C-A.
Other names: c.1628G>T, p.Gly543Val (NM_001406506.1, NM_001406507.1); c.2057G>T, p.Gly686Val (NM_004949.5); short protein forms G543V, G686V.
Identifiers: ClinVar variation 3069372 (VCV003069372.1), dbSNP rs761458001, ClinGen allele CA034449.